The following is an entry in ClinVar:

ClinVar aggregate classification (germline): Uncertain significance (1 of 4 stars; one submission).

Allele frequency attached by ClinVar (database versions not stated): gnomAD exomes below 0.00001.

Submission:

Labcorp Genetics (formerly Invitae), Labcorp
Classification: Uncertain significance. Last evaluated: 2023-07-29. Review status: criteria provided, single submitter. Criteria: Invitae Variant Classification Sherloc (09022015). Collection method: clinical testing. Allele origin: germline.
Comment: In summary, the available evidence is currently insufficient to determine the role of this variant in disease. Therefore, it has been classified as a Variant of Uncertain Significance. Advanced modeling of protein sequence and biophysical properties (such as structural, functional, and spatial information, amino acid conservation, physicochemical variation, residue mobility, and thermodynamic stability) has been performed at Invitae for this missense variant, however the output from this modeling did not meet the statistical confidence thresholds required to predict the impact of this variant on WFS1 protein function. This variant has not been reported in the literature in individuals affected with WFS1-related conditions. This variant is not present in population databases (gnomAD no frequency). This sequence change replaces histidine, which is basic and polar, with arginine, which is basic and polar, at codon 763 of the WFS1 protein (p.His763Arg).

NM_006005.3(WFS1):c.2288A>G (p.His763Arg)

Gene: WFS1 (wolframin ER transmembrane glycoprotein; plus strand). Cytogenetic location: 4p16.1.
Variant type: single nucleotide variant.
Coding change: c.2288A>G on transcript NM_006005.3 (MANE Select); coding-DNA position 2288, A replaced by G.
Protein change: p.His763Arg; replaces histidine 763 with arginine.
Molecular consequence: missense variant.
Genome position (GRCh38, 1-based): chr4:6,302,083, A>G. VCF-style: chr4-6302083-A-G. GRCh37 (hg19) VCF-style: chr4-6303810-A-G.
Other names: c.2288A>G, p.His763Arg (NM_001145853.1); short protein forms H763R.
Identifiers: ClinVar variation 3006406 (VCV003006406.3), dbSNP rs750595448, ClinGen allele CA356178293.